The following is an entry in ClinVar:

NM_000387.6(SLC25A20):c.668A>G (p.Asn223Ser)

Gene: SLC25A20 (solute carrier family 25 member 20; minus strand). Cytogenetic location: 3p21.31.
Variant type: single nucleotide variant.
Coding change: c.668A>G on transcript NM_000387.6 (MANE Select); coding-DNA position 668, A replaced by G.
Protein change: p.Asn223Ser; replaces asparagine 223 with serine.
Molecular consequence: missense variant.
Genome position (GRCh38, 1-based): chr3:48,859,142, T>C on the plus strand (A>G on the coding strand, the complement: SLC25A20 is on the minus strand). VCF-style: chr3-48859142-T-C. GRCh37 (hg19) VCF-style: chr3-48896575-T-C.
Other names: short protein forms N223S.
Identifiers: ClinVar variation 656680 (VCV000656680.3), dbSNP rs374770429, ClinGen allele CA2387320.

ClinVar aggregate classification (germline): Uncertain significance (1 of 4 stars; one submission).

Conditions:
Carnitine acylcarnitine translocase deficiency (CACTD). Identifiers: Orphanet 159, MedGen C0342791, MONDO:0008918, OMIM 212138.

Allele frequency attached by ClinVar (database versions not stated): gnomAD exomes 0.00001 and 0.00002; gnomAD 0.00003; TOPMed 0.00003; ExAC 0.00004; ESP Exome Variant Server 0.00008.
gnomAD v4.1: 25 of 1,613,830 alleles (0.0015%); highest among the groups gnomAD compares: African/African-American, 0.0027%; no homozygotes.

Submission:

Labcorp Genetics (formerly Invitae), Labcorp
Classification: Uncertain significance for Carnitine acylcarnitine translocase deficiency. Last evaluated: 2021-11-26. Review status: criteria provided, single submitter. Criteria: Invitae Variant Classification Sherloc (09022015). Collection method: clinical testing. Allele origin: germline.
Comment: This sequence change replaces asparagine, which is neutral and polar, with serine, which is neutral and polar, at codon 223 of the SLC25A20 protein (p.Asn223Ser). This variant is present in population databases (rs374770429, gnomAD 0.01%). This variant has not been reported in the literature in individuals affected with SLC25A20-related conditions. ClinVar contains an entry for this variant (Variation ID: 656680). Algorithms developed to predict the effect of missense changes on protein structure and function (SIFT, PolyPhen-2, Align-GVGD) all suggest that this variant is likely to be tolerated. In summary, the available evidence is currently insufficient to determine the role of this variant in disease. Therefore, it has been classified as a Variant of Uncertain Significance.